The following is an entry in ClinVar:

NM_001130987.2(DYSF):c.4774C>T (p.Pro1592Ser)

Gene: DYSF (dysferlin; plus strand). Cytogenetic location: 2p13.2.
Variant type: single nucleotide variant.
Coding change: c.4774C>T on transcript NM_001130987.2 (MANE Select); coding-DNA position 4774, C replaced by T.
Protein change: p.Pro1592Ser; replaces proline 1592 with serine.
Molecular consequence: missense variant.
Genome position (GRCh38, 1-based): chr2:71,658,896, C>T. VCF-style: chr2-71658896-C-T. GRCh37 (hg19) VCF-style: chr2-71886026-C-T.
Other names: c.4660C>T, p.Pro1554Ser (NM_001130455.2); c.4615C>T, p.Pro1539Ser (NM_001130976.2); c.4678C>T, p.Pro1560Ser (NM_001130977.2); c.4720C>T, p.Pro1574Ser (NM_001130978.2); c.4750C>T, p.Pro1584Ser (NM_001130979.2); c.4708C>T, p.Pro1570Ser (NM_001130980.2); c.4771C>T, p.Pro1591Ser (NM_001130981.2); c.4753C>T, p.Pro1585Ser (NM_001130982.2); and 5 more; short protein forms P1585S, P1539S, P1540S, P1554S, P1561S, P1570S, P1584S, P1591S.
Identifiers: ClinVar variation 1398809 (VCV001398809.6), dbSNP rs1406317660, ClinGen allele CA347219632.

ClinVar aggregate classification (germline): Uncertain significance (1 of 4 stars; one submission).

Conditions:
Neuromuscular disease caused by qualitative or quantitative defects of dysferlin. Also called: Qualitative or quantitative defects of dysferlin; Dysferlinopathy. Identifiers: Orphanet 207073, MedGen C2931687, MONDO:0016145.

gnomAD v4.1: 2 of 1,614,104 alleles (0.00012%); highest among the groups gnomAD compares: South Asian, 0.0011%; no homozygotes.

Submission:

Labcorp Genetics (formerly Invitae), Labcorp
Classification: Uncertain significance for Neuromuscular disease caused by qualitative or quantitative defects of dysferlin. Last evaluated: 2021-11-16. Review status: criteria provided, single submitter. Criteria: Invitae Variant Classification Sherloc (09022015). Collection method: clinical testing. Allele origin: germline.
Comment: In summary, the available evidence is currently insufficient to determine the role of this variant in disease. Therefore, it has been classified as a Variant of Uncertain Significance. Advanced modeling of protein sequence and biophysical properties (such as structural, functional, and spatial information, amino acid conservation, physicochemical variation, residue mobility, and thermodynamic stability) performed at Invitae indicates that this missense variant is not expected to disrupt DYSF protein function. This variant has not been reported in the literature in individuals affected with DYSF-related conditions. This variant is not present in population databases (gnomAD no frequency). This sequence change replaces proline, which is neutral and non-polar, with serine, which is neutral and polar, at codon 1553 of the DYSF protein (p.Pro1553Ser).